The following is an entry in ClinVar:

NM_170707.4(LMNA):c.305T>C (p.Leu102Pro)

Gene: LMNA (lamin A/C; plus strand). Cytogenetic location: 1q22.
Variant type: single nucleotide variant.
Coding change: c.305T>C on transcript NM_170707.4 (MANE Select); coding-DNA position 305, T replaced by C.
Protein change: p.Leu102Pro; replaces leucine 102 with proline.
Molecular consequence: missense variant.
Genome position (GRCh38, 1-based): chr1:156,115,223, T>C. VCF-style: chr1-156115223-T-C. GRCh37 (hg19) VCF-style: chr1-156085014-T-C.
Other names: c.305T>C, p.Leu102Pro (NM_001282625.2, NM_001282626.2, NM_005572.4 and 1 more transcripts); c.305T>C (NM_170707.3); short protein forms L102P.
Identifiers: ClinVar variation 520647 (VCV000520647.9), dbSNP rs1553262007, ClinGen allele CA342808708.

ClinVar aggregate classification (germline): Conflicting classifications of pathogenicity. Review status: criteria provided, conflicting classifications (1 of 4 stars). 3 submissions from 3 submitters: Pathogenic (1); Likely pathogenic (1); Uncertain significance (1). Last evaluated 2021-03-20.

Conditions:
Emery-Dreifuss muscular dystrophy 2, autosomal dominant (EDMD2). Also called: MUSCULAR DYSTROPHY WITH EARLY CONTRACTURES AND CARDIOMYOPATHY, AUTOSOMAL DOMINANT; SCAPULOILIOPERONEAL ATROPHY WITH CARDIOPATHY; HAUPTMANN-THANNHAUSER MUSCULAR DYSTROPHY; Benign scapuloperoneal muscular dystrophy with cardiomyopathy; LMNA-Related Emery-Dreifuss Muscular Dystrophy, Autosomal; Limb-girdle muscular dystrophy, type 1B. Identifiers: Orphanet 261, Orphanet 264, MedGen C0410190, MONDO:0021569, OMIM 181350.
Inborn genetic diseases. Identifiers: MedGen C0950123, MeSH D030342.

Submissions (3):

Institute Of Molecular Biology And Genetics, Federal Almazov National Medical Research Centre
Classification: Likely pathogenic for Emery-Dreifuss muscular dystrophy 2, autosomal dominant. Last evaluated: 2021-03-20. Review status: criteria provided, single submitter. Criteria: ACMG Guidelines, 2015. Collection method: clinical testing. Allele origin: unknown. Affected: yes. Observed: 1 variant allele.
Comment: ACMG: PM1, PM2, PP2, PP3

Revvity Omics, Revvity
Classification: Uncertain significance. Last evaluated: 2019-10-09. Review status: criteria provided, single submitter. Criteria: ACMG Guidelines, 2015. Collection method: clinical testing. Allele origin: germline.

Ambry Genetics
Classification: Pathogenic for Inborn genetic diseases. Last evaluated: 2015-04-09. Review status: criteria provided, single submitter. Criteria: Ambry exome assertion method (8-5-2015). Collection method: clinical testing. Allele origin: germline. Affected: yes. Observed: 1 variant allele.